The following is an entry in ClinVar:

ClinVar aggregate classification (germline): Uncertain significance. Review status: criteria provided, multiple submitters, no conflicts (2 of 4 stars). 3 submissions from 3 submitters: Uncertain significance (3). Last evaluated 2026-07-11.

Conditions:
SCLT1-related disorder. Also called: SCLT1-related condition.

Allele frequency attached by ClinVar (database versions not stated): ExAC 0.00001; gnomAD 0.00001; gnomAD exomes 0.00001.
gnomAD v4.1: 27 of 1,592,516 alleles (0.0017%); highest among the groups gnomAD compares: Non-Finnish European, 0.0023%; no homozygotes.

Submissions (3):

PreventionGenetics, part of Exact Sciences
Classification: Uncertain significance for SCLT1-related condition. Last evaluated: 2026-07-11. Review status: criteria provided, single submitter. Criteria: ACMG Guidelines, 2015. Collection method: clinical testing. Allele origin: germline.
Comment: The SCLT1 c.664G>A variant is predicted to result in the amino acid substitution p.Glu222Lys. To our knowledge, this variant has not been reported in the literature. This variant is reported in 0.0018% of alleles in individuals of European (Non-Finnish) descent in gnomAD. At this time, the clinical significance of this variant is uncertain due to the absence of conclusive functional and genetic evidence.

Blueprint Genetics
Classification: Uncertain significance. Last evaluated: 2024-01-18. Review status: criteria provided, single submitter. Criteria: ACMG Guidelines, 2015. Collection method: clinical testing. Allele origin: germline.

Labcorp Genetics (formerly Invitae), Labcorp
Classification: Uncertain significance. Last evaluated: 2023-11-13. Review status: criteria provided, single submitter. Criteria: Invitae Variant Classification Sherloc (09022015). Collection method: clinical testing. Allele origin: germline.
Comment: This sequence change replaces glutamic acid, which is acidic and polar, with lysine, which is basic and polar, at codon 222 of the SCLT1 protein (p.Glu222Lys). The frequency data for this variant in the population databases is considered unreliable, as metrics indicate poor data quality at this position in the gnomAD database. This variant has not been reported in the literature in individuals affected with SCLT1-related conditions. ClinVar contains an entry for this variant (Variation ID: 1422592). An algorithm developed to predict the effect of missense changes on protein structure and function (PolyPhen-2) suggests that this variant is likely to be disruptive. In summary, the available evidence is currently insufficient to determine the role of this variant in disease. Therefore, it has been classified as a Variant of Uncertain Significance.

NM_144643.4(SCLT1):c.664G>A (p.Glu222Lys)

Gene: SCLT1 (sodium channel and clathrin linker 1; minus strand). Cytogenetic location: 4q28.2.
Variant type: single nucleotide variant.
Coding change: c.664G>A on transcript NM_144643.4 (MANE Select); coding-DNA position 664, G replaced by A.
Protein change: p.Glu222Lys; replaces glutamic acid 222 with lysine.
Molecular consequence: missense variant.
Genome position (GRCh38, 1-based): chr4:128,992,189, C>T on the plus strand (G>A on the coding strand, the complement: SCLT1 is on the minus strand). VCF-style: chr4-128992189-C-T. GRCh37 (hg19) VCF-style: chr4-129913344-C-T.
Other names: c.664G>A (NM_144643.3); short protein forms E222K.
Identifiers: ClinVar variation 1422592 (VCV001422592.7), dbSNP rs777678930, ClinGen allele CA3079855.